The following is an entry in ClinVar:

ClinVar aggregate classification (germline): Benign. Review status: criteria provided, multiple submitters, no conflicts (2 of 4 stars). 4 submissions from 4 submitters: Benign (4). Last evaluated 2026-02-02.

Conditions:
Exudative vitreoretinopathy 5 (EVR5). Identifiers: Orphanet 891, MedGen C2750079, MONDO:0013218, OMIM 613310.

Allele frequency attached by ClinVar (database versions not stated): 1000 Genomes Project 0.00459; 1000 Genomes Project 30x 0.00484; gnomAD 0.00750 and 0.00772; gnomAD exomes 0.00777 and 0.00991; TOPMed 0.00848; ExAC 0.00890; ESP Exome Variant Server 0.00946.
gnomAD v4.1: 15,618 of 1,610,184 alleles (0.97%); highest among the groups gnomAD compares: Middle Eastern, 1.5%; 109 homozygotes.

Submissions (4):

Labcorp Genetics (formerly Invitae), Labcorp
Classification: Benign. Last evaluated: 2026-02-02. Review status: criteria provided, single submitter. Criteria: Invitae Variant Classification Sherloc (09022015). Collection method: clinical testing. Allele origin: germline.

Illumina Laboratory Services, Illumina
Classification: Benign for Exudative vitreoretinopathy 5. Last evaluated: 2018-03-06. Review status: criteria provided, single submitter. Criteria: ICSL Variant Classification Criteria 13 December 2019. Collection method: clinical testing. Allele origin: germline.
Comment: This variant was observed in the ICSL laboratory as part of a predisposition screen in an ostensibly healthy population. It had not been previously curated by ICSL or reported in the Human Gene Mutation Database (HGMD: prior to June 1st, 2018), and was therefore a candidate for classification through an automated scoring system. Utilizing variant allele frequency, disease prevalence and penetrance estimates, and inheritance mode, an automated score was calculated to assess if this variant is too frequent to cause the disease. Based on the score and internal cut-off values, a variant classified as benign is not then subjected to further curation. The score for this variant resulted in a classification of benign for this disease.

GeneDx
Classification: Benign. Last evaluated: 2015-03-03. Review status: criteria provided, single submitter. Criteria: GeneDx Variant Classification Process June 2021. Collection method: clinical testing. Allele origin: germline. Affected: yes.

Breakthrough Genomics
Classification: Benign. Review status: criteria provided, single submitter. Criteria: ACMG Guidelines, 2015. Collection method: not provided. Allele origin: germline. Inheritance: Autosomal dominant inheritance. Affected: yes.

NM_012338.4(TSPAN12):c.360+9A>G

Gene: TSPAN12 (tetraspanin 12; minus strand). Cytogenetic location: 7q31.31.
Variant type: single nucleotide variant.
Coding change: c.360+9A>G on transcript NM_012338.4 (MANE Select); 9 bases into the intron after coding-DNA position 360, A replaced by G.
Molecular consequence: intron variant.
Genome position (GRCh38, 1-based): chr7:120,815,720, T>C on the plus strand (A>G on the coding strand, the complement: TSPAN12 is on the minus strand). VCF-style: chr7-120815720-T-C. GRCh37 (hg19) VCF-style: chr7-120455774-T-C.
Identifiers: ClinVar variation 358763 (VCV000358763.18), dbSNP rs116938497, ClinGen allele CA4453934.